The following is an entry in ClinVar:

NM_001903.5(CTNNA1):c.1615G>T (p.Asp539Tyr)

Gene: CTNNA1 (catenin alpha 1; plus strand). Cytogenetic location: 5q31.2.
Variant type: single nucleotide variant.
Coding change: c.1615G>T on transcript NM_001903.5 (MANE Select); coding-DNA position 1615, G replaced by T.
Protein change: p.Asp539Tyr; replaces aspartic acid 539 with tyrosine.
Molecular consequence: missense variant.
Genome position (GRCh38, 1-based): chr5:138,924,578, G>T. VCF-style: chr5-138924578-G-T. GRCh37 (hg19) VCF-style: chr5-138260267-G-T.
Other names: c.505G>T, p.Asp169Tyr (NM_001323991.1, NM_001290312.1, NM_001323987.1 and 17 more transcripts); c.1615G>T, p.Asp539Tyr (NM_001290307.3, NM_001323984.2, NM_001323985.2 and 2 more transcripts); c.1306G>T, p.Asp436Tyr (NM_001290309.3); c.1246G>T, p.Asp416Tyr (NM_001290310.3); c.1522G>T, p.Asp508Tyr (NM_001323986.2); c.166G>T, p.Asp56Tyr (NM_001324006.1, NM_001324007.1, NM_001324008.1 and 2 more transcripts); c.412G>T, p.Asp138Tyr (NM_001324011.1); c.262G>T, p.Asp88Tyr (NM_001324012.1, NM_001324013.1); short protein forms D416Y, D88Y, D138Y, D508Y, D436Y, D539Y, D169Y, D56Y.
Identifiers: ClinVar variation 642347 (VCV000642347.9), dbSNP rs547329141, ClinGen allele CA361131829.

ClinVar aggregate classification (germline): Uncertain significance. Review status: criteria provided, multiple submitters, no conflicts (2 of 4 stars). 2 submissions from 2 submitters: Uncertain significance (2). Last evaluated 2024-10-30.

Conditions:
Hereditary cancer-predisposing syndrome. Also called: Neoplastic Syndromes, Hereditary; Tumor predisposition; Hereditary neoplastic syndrome; Hereditary Cancer Syndrome. Identifiers: Orphanet 140162, MedGen C0027672, MeSH D009386, MONDO:0015356.

Allele frequency attached by ClinVar (database versions not stated): gnomAD exomes below 0.00001.
gnomAD v4.1: 1 of 1,614,178 alleles (0.000062%); highest among the groups gnomAD compares: South Asian, 0.0011%; no homozygotes.

Submissions (2):

Labcorp Genetics (formerly Invitae), Labcorp
Classification: Uncertain significance. Last evaluated: 2024-10-30. Review status: criteria provided, single submitter. Criteria: Invitae Variant Classification Sherloc (09022015). Collection method: clinical testing. Allele origin: germline.
Comment: This sequence change replaces aspartic acid, which is acidic and polar, with tyrosine, which is neutral and polar, at codon 539 of the CTNNA1 protein (p.Asp539Tyr). This variant is not present in population databases (gnomAD no frequency). This variant has not been reported in the literature in individuals affected with CTNNA1-related conditions. ClinVar contains an entry for this variant (Variation ID: 642347). Invitae Evidence Modeling of protein sequence and biophysical properties (such as structural, functional, and spatial information, amino acid conservation, physicochemical variation, residue mobility, and thermodynamic stability) has been performed for this missense variant. However, the output from this modeling did not meet the statistical confidence thresholds required to predict the impact of this variant on CTNNA1 protein function. In summary, the available evidence is currently insufficient to determine the role of this variant in disease. Therefore, it has been classified as a Variant of Uncertain Significance.

Ambry Genetics
Classification: Uncertain significance for Hereditary cancer-predisposing syndrome. Last evaluated: 2021-11-01. Review status: criteria provided, single submitter. Criteria: Ambry Variant Classification Scheme 2023. Collection method: clinical testing. Allele origin: germline.
Comment: The p.D539Y variant (also known as c.1615G>T), located in coding exon 11 of the CTNNA1 gene, results from a G to T substitution at nucleotide position 1615. The aspartic acid at codon 539 is replaced by tyrosine, an amino acid with highly dissimilar properties. This amino acid position is highly conserved in available vertebrate species. In addition, this alteration is predicted to be deleterious by in silico analysis. Since supporting evidence is limited at this time, the clinical significance of this alteration remains unclear.